The following is an entry in ClinVar:

ClinVar aggregate classification (germline): Uncertain significance (1 of 4 stars; one submission).

Conditions:
Neuropathy, hereditary sensory and autonomic, type 2A (HSAN2A). Also called: ACROOSTEOLYSIS, GIACCAI TYPE; ACROOSTEOLYSIS, NEUROGENIC; MORVAN DISEASE; NEUROPATHY, CONGENITAL SENSORY; NEUROPATHY, HEREDITARY SENSORY RADICULAR, AUTOSOMAL RECESSIVE; NEUROPATHY, HEREDITARY SENSORY, TYPE IIA. Identifiers: Orphanet 970, MedGen C2752089, MONDO:0024309, OMIM 201300.
Generalized epilepsy with febrile seizures plus, type 7 (GEFSP7). Also called: GEFS+, TYPE 7. Identifiers: Orphanet 36387, MedGen C2751778, MONDO:0013470, OMIM 613863.

Submission:

Labcorp Genetics (formerly Invitae), Labcorp
Classification: Uncertain significance for Neuropathy, hereditary sensory and autonomic, type 2A; Generalized epilepsy with febrile seizures plus, type 7. Last evaluated: 2023-09-27. Review status: criteria provided, single submitter. Criteria: Invitae Variant Classification Sherloc (09022015). Collection method: clinical testing. Allele origin: germline.
Comment: In summary, the available evidence is currently insufficient to determine the role of this variant in disease. Therefore, it has been classified as a Variant of Uncertain Significance. Advanced modeling of protein sequence and biophysical properties (such as structural, functional, and spatial information, amino acid conservation, physicochemical variation, residue mobility, and thermodynamic stability) performed at Invitae indicates that this missense variant is not expected to disrupt SCN9A protein function. This variant has not been reported in the literature in individuals affected with SCN9A-related conditions. This variant is not present in population databases (gnomAD no frequency). This sequence change replaces phenylalanine, which is neutral and non-polar, with leucine, which is neutral and non-polar, at codon 1788 of the SCN9A protein (p.Phe1788Leu).

NM_001365536.1(SCN9A):c.5395T>C (p.Phe1799Leu)

Genes: SCN1A-AS1 (SCN1A and SCN9A antisense RNA 1; plus strand), SCN9A (sodium voltage-gated channel alpha subunit 9; minus strand). Cytogenetic location: 2q24.3.
Variant type: single nucleotide variant.
Coding change: c.5395T>C on transcript NM_001365536.1 (MANE Select); coding-DNA position 5395, T replaced by C.
Protein change: p.Phe1799Leu; replaces phenylalanine 1799 with leucine.
Molecular consequence: missense variant.
Genome position (GRCh38, 1-based): chr2:166,199,244, A>G on the plus strand (T>C on the coding strand, the complement: SCN9A is on the minus strand). VCF-style: chr2-166199244-A-G. GRCh37 (hg19) VCF-style: chr2-167055754-A-G.
Other names: c.5362T>C, p.Phe1788Leu (NM_002977.4); short protein forms F1788L, F1799L.
Identifiers: ClinVar variation 2942169 (VCV002942169.3), dbSNP rs2468876461, ClinGen allele CA349053057.
Genomic context (GRCh38, chr2:166,199,244, plus strand): 5'-TGGGTTTTGCTATGAGAAGAGGAGGATCCAGGGCAGCTGCAAAATCAGAGAGTTTAGAGA[A>G]CTCTATAAACTGGGTCGCATCGGGATCAAACTTCTCCCAAACCTCATAGAACATCTCAAA-3'
Protein context (NP_001352465.1, residues 1789-1809): FDPDATQFIE[Phe1799Leu]SKLSDFAAAL